The following is an entry in ClinVar:

ClinVar aggregate classification (germline): Likely benign (1 of 4 stars; one submission).

Submission:

CeGaT Center for Human Genetics Tuebingen
Classification: Likely benign. Last evaluated: 2026-08-01. Review status: criteria provided, single submitter. Criteria: CeGaT Center For Human Genetics Tuebingen Variant Classification Criteria Version 2. Collection method: clinical testing. Allele origin: germline. Affected: yes. Observed: 1 variant allele.
Comment: PCDHA9: BP4, BP7

NM_031857.2(PCDHA9):c.507T>C (p.Thr169=)

Genes: PCDHA1 (protocadherin alpha 1; plus strand), PCDHA2 (protocadherin alpha 2; plus strand), PCDHA3 (protocadherin alpha 3; plus strand), PCDHA4 (protocadherin alpha 4; plus strand), PCDHA5 (protocadherin alpha 5; plus strand) and 5 more. Cytogenetic location: 5q31.3.
Variant type: single nucleotide variant.
Coding change: c.507T>C on transcript NM_031857.2 (MANE Select); coding-DNA position 507, T replaced by C.
Protein change: p.Thr169=; no amino-acid change (threonine 169 retained).
Molecular consequence: synonymous variant. On other transcripts: intron variant (10).
Genome position (GRCh38, 1-based): chr5:140,849,002, T>C. VCF-style: chr5-140849002-T-C. GRCh37 (hg19) VCF-style: chr5-140228587-T-C.
Other names: c.507T>C, p.Thr169= (NM_014005.5); c.2394+60318T>C (NM_018900.4); c.1602+61110T>C (NM_031411.3); c.2388+51650T>C (NM_018905.3); c.2394+45411T>C (NM_018906.3); c.2385+39430T>C (NM_018907.4); c.2352+24875T>C (NM_018908.3); c.2394+18517T>C (NM_018909.4); and 3 more.
Identifiers: ClinVar variation 5039006 (VCV005039006.1).